The following is an entry in ClinVar:

ClinVar aggregate classification (germline): Uncertain significance (1 of 4 stars; one submission).

Conditions:
Caused by mutation in the TBC1 domain family, member 24.
Autosomal dominant nonsyndromic hearing loss 65. Also called: Deafness, autosomal dominant 65; TBC1D24-Related Autosomal Dominant Nonsyndromic Hearing Loss (DFNA). Identifiers: Orphanet 90635, MedGen C3892048, MONDO:0014470, OMIM 616044.
Developmental and epileptic encephalopathy, 1 (DEE1). Also called: Epileptic encephalopathy, early infantile, 1; X-linked infantile spasms; West's syndrome; Tonic spasms with clustering, arrest of psychomotor development and hypsarrhythmia on EEG; X-Linked Infantile Spasm Syndrome; OHTAHARA SYNDROME, X-LINKED. Identifiers: MedGen C3463992, MONDO:0010632, OMIM 308350. Disease mechanism: loss of function.

Allele frequency attached by ClinVar (database versions not stated): gnomAD exomes below 0.00001; TOPMed below 0.00001; ExAC 0.00001.
gnomAD v4.1: 2 of 1,613,844 alleles (0.00012%); highest among the groups gnomAD compares: Admixed American, 0.0033%; no homozygotes.

Submission:

Labcorp Genetics (formerly Invitae), Labcorp
Classification: Uncertain significance for Developmental and epileptic encephalopathy, 1; Autosomal dominant nonsyndromic hearing loss 65. Last evaluated: 2023-05-22. Review status: criteria provided, single submitter. Criteria: Invitae Variant Classification Sherloc (09022015). Collection method: clinical testing. Allele origin: germline.
Comment: In summary, the available evidence is currently insufficient to determine the role of this variant in disease. Therefore, it has been classified as a Variant of Uncertain Significance. Advanced modeling of protein sequence and biophysical properties (such as structural, functional, and spatial information, amino acid conservation, physicochemical variation, residue mobility, and thermodynamic stability) performed at Invitae indicates that this missense variant is not expected to disrupt TBC1D24 protein function. This sequence change replaces lysine, which is basic and polar, with arginine, which is basic and polar, at codon 196 of the TBC1D24 protein (p.Lys196Arg). This variant is present in population databases (rs758299397, gnomAD 0.003%). This variant has not been reported in the literature in individuals affected with TBC1D24-related conditions. ClinVar contains an entry for this variant (Variation ID: 541319).

NM_001199107.2(TBC1D24):c.587A>G (p.Lys196Arg)

Gene: TBC1D24 (TBC1 domain family member 24; plus strand). Cytogenetic location: 16p13.3.
Variant type: single nucleotide variant.
Coding change: c.587A>G on transcript NM_001199107.2 (MANE Select); coding-DNA position 587, A replaced by G.
Protein change: p.Lys196Arg; replaces lysine 196 with arginine.
Molecular consequence: missense variant.
Genome position (GRCh38, 1-based): chr16:2,496,735, A>G. VCF-style: chr16-2496735-A-G. GRCh37 (hg19) VCF-style: chr16-2546736-A-G.
Other names: c.587A>G, p.Lys196Arg (NM_020705.3); short protein forms K196R.
Identifiers: ClinVar variation 541319 (VCV000541319.8), dbSNP rs758299397, ClinGen allele CA7844025.